The following is an entry in ClinVar:

NM_001164665.2(KIAA1549):c.763A>C (p.Thr255Pro)

Gene: KIAA1549 (KIAA1549; minus strand). Cytogenetic location: 7q34.
Variant type: single nucleotide variant.
Coding change: c.763A>C on transcript NM_001164665.2 (MANE Select); coding-DNA position 763, A replaced by C.
Protein change: p.Thr255Pro; replaces threonine 255 with proline.
Molecular consequence: missense variant.
Genome position (GRCh38, 1-based): chr7:138,918,863, T>G on the plus strand (A>C on the coding strand, the complement: KIAA1549 is on the minus strand). VCF-style: chr7-138918863-T-G. GRCh37 (hg19) VCF-style: chr7-138603609-T-G.
Other names: c.763A>C, p.Thr255Pro (NM_020910.3); short protein forms T255P.
Identifiers: ClinVar variation 2113325 (VCV002113325.4), dbSNP rs2485560857, ClinGen allele CA369401956.

ClinVar aggregate classification (germline): Uncertain significance (1 of 4 stars; one submission).

Allele frequency attached by ClinVar (database versions not stated): gnomAD exomes below 0.00001.
gnomAD v4.1: 1 of 1,613,992 alleles (0.000062%); highest among the groups gnomAD compares: African/African-American, 0.0013%; no homozygotes.

Submission:

Labcorp Genetics (formerly Invitae), Labcorp
Classification: Uncertain significance. Last evaluated: 2022-03-17. Review status: criteria provided, single submitter. Criteria: Invitae Variant Classification Sherloc (09022015). Collection method: clinical testing. Allele origin: germline.
Comment: In summary, the available evidence is currently insufficient to determine the role of this variant in disease. Therefore, it has been classified as a Variant of Uncertain Significance. Algorithms developed to predict the effect of missense changes on protein structure and function output the following: SIFT: "Tolerated"; PolyPhen-2: "Benign"; Align-GVGD: "Class C0". The proline amino acid residue is found in multiple mammalian species, which suggests that this missense change does not adversely affect protein function. This variant has not been reported in the literature in individuals affected with KIAA1549-related conditions. This variant is not present in population databases (gnomAD no frequency). This sequence change replaces threonine, which is neutral and polar, with proline, which is neutral and non-polar, at codon 255 of the KIAA1549 protein (p.Thr255Pro).